The following is an entry in ClinVar:

NM_001723.7(DST):c.5014A>G (p.Ile1672Val)

Gene: DST (dystonin; minus strand). Cytogenetic location: 6p12.1.
Variant type: single nucleotide variant.
Coding change: c.5014A>G on transcript NM_001723.7 (MANE Plus Clinical); coding-DNA position 5014, A replaced by G.
Protein change: p.Ile1672Val; replaces isoleucine 1672 with valine.
Molecular consequence: missense variant. On other transcripts: intron variant (10).
Genome position (GRCh38, 1-based): chr6:56,619,020, T>C on the plus strand (A>G on the coding strand, the complement: DST is on the minus strand). VCF-style: chr6-56619020-T-C. GRCh37 (hg19) VCF-style: chr6-56483818-T-C.
Other names: c.4831-4536A>G (NM_001144769.5); c.4930-4536A>G (NM_001374722.1, NM_001374736.1); c.4957-4536A>G (NM_001374734.1); c.4417-4536A>G (NM_001144770.2); c.4297-4536A>G (NM_001374730.1, NM_001386100.1, NM_183380.4 and 1 more transcripts); c.3319-4536A>G (NM_015548.5); short protein forms I1672V.
Identifiers: ClinVar variation 2933194 (VCV002933194.3), dbSNP rs2536693585, ClinGen allele CA364568340.

ClinVar aggregate classification (germline): Uncertain significance (1 of 4 stars; one submission).

Conditions:
Hereditary sensory and autonomic neuropathy type 6. Also called: HSAN VI; Neuropathy, hereditary sensory and autonomic, type VI. Identifiers: Orphanet 314381, MedGen C3539003, MONDO:0013839, OMIM 614653.
Epidermolysis bullosa simplex 3, localized or generalized intermediate, with BP230 deficiency (EBS3). Also called: Epidermolysis bullosa simplex, autosomal recessive 2; Epidermolysis bullosa simplex due to BP230 deficiency. Identifiers: Orphanet 412181, MedGen C3809470, MONDO:0014180, OMIM 615425.

Submission:

Labcorp Genetics (formerly Invitae), Labcorp
Classification: Uncertain significance for Epidermolysis bullosa simplex 3, localized or generalized intermediate, with BP230 deficiency; Hereditary sensory and autonomic neuropathy type 6. Last evaluated: 2023-06-04. Review status: criteria provided, single submitter. Criteria: Invitae Variant Classification Sherloc (09022015). Collection method: clinical testing. Allele origin: germline.
Comment: In summary, the available evidence is currently insufficient to determine the role of this variant in disease. Therefore, it has been classified as a Variant of Uncertain Significance. An algorithm developed to predict the effect of missense changes on protein structure and function (PolyPhen-2) suggests that this variant is likely to be tolerated. This variant has not been reported in the literature in individuals affected with DST-related conditions. This variant is not present in population databases (gnomAD no frequency). This sequence change replaces isoleucine, which is neutral and non-polar, with valine, which is neutral and non-polar, at codon 1672 of the DST protein (p.Ile1672Val).